The following is an entry in ClinVar:

NM_000157.4(GBA1):c.588+2T>C

Genes: GBA1 (glucosylceramidase beta 1; minus strand), LOC106627981 (GBA recombination region; plus strand). Cytogenetic location: 1q22.
Variant type: single nucleotide variant.
Coding change: c.588+2T>C on transcript NM_000157.4 (MANE Select); the canonical splice donor site of the intron after coding-DNA position 588, T replaced by C.
Molecular consequence: splice donor variant.
Genome position (GRCh38, 1-based): chr1:155,238,515, A>G on the plus strand (T>C on the coding strand, the complement: GBA1 is on the minus strand). VCF-style: chr1-155238515-A-G. GRCh37 (hg19) VCF-style: chr1-155208306-A-G.
Other names: c.327+2T>C (NM_001171811.2); c.588+2T>C (NM_001005742.3, NM_001005741.3); c.441+2T>C (NM_001171812.2).
Identifiers: ClinVar variation 4817778 (VCV004817778.1).

ClinVar aggregate classification (germline): Likely pathogenic (1 of 4 stars; one submission).

Conditions:
Gaucher disease. Also called: Acute cerebral Gaucher disease; Cerebroside lipidosis syndrome; Gaucher splenomegaly; Sphingolipidosis 1; Glucocerebrosidosis; Glucosylceramidase deficiency. Identifiers: Orphanet 355, MedGen C0017205, MONDO:0018150.

Submission:

Natera, Inc.
Classification: Likely pathogenic for Gaucher disease. Last evaluated: 2025-11-26. Review status: criteria provided, single submitter. Criteria: Natera Variant Classification Schema (03/2026). Collection method: clinical testing. Allele origin: germline.
Comment: The c.588+2T>C variant in GBA1 is a canonical splice donor site variant predicted to affect pre-mRNA splicing, which may result in an abnormal transcript and altered protein product. This variant is expected to result in nonsense mediated decay, truncation, or a dysfunctional protein product. This variant is rare in the general population with a frequency below the threshold expected for the associated phenotype(s). Given the available evidence, this variant is classified as Likely Pathogenic.